The following is an entry in ClinVar:

NM_201384.3(PLEC):c.4012A>C (p.Ser1338Arg)

Gene: PLEC (plectin; minus strand). Cytogenetic location: 8q24.3.
Variant type: single nucleotide variant.
Coding change: c.4012A>C on transcript NM_201384.3 (MANE Select); coding-DNA position 4012, A replaced by C.
Protein change: p.Ser1338Arg; replaces serine 1338 with arginine.
Molecular consequence: missense variant.
Genome position (GRCh38, 1-based): chr8:143,926,816, T>G on the plus strand (A>C on the coding strand, the complement: PLEC is on the minus strand). VCF-style: chr8-143926816-T-G. GRCh37 (hg19) VCF-style: chr8-145000984-T-G.
Other names: c.4093A>C, p.Ser1365Arg (NM_000445.5, NM_001410941.1); c.3970A>C, p.Ser1324Arg (NM_201378.4); c.3946A>C, p.Ser1316Arg (NM_201379.3); c.4423A>C, p.Ser1475Arg (NM_201380.4); c.3916A>C, p.Ser1306Arg (NM_201381.3); c.4012A>C, p.Ser1338Arg (NM_201382.4); c.4024A>C, p.Ser1342Arg (NM_201383.3); short protein forms S1306R, S1316R, S1475R, S1342R, S1324R, S1338R, S1365R.
Identifiers: ClinVar variation 2939208 (VCV002939208.4), dbSNP rs1490971048, ClinGen allele CA372563117.

ClinVar aggregate classification (germline): Uncertain significance. Review status: criteria provided, multiple submitters, no conflicts (2 of 4 stars). 2 submissions from 2 submitters: Uncertain significance (2). Last evaluated 2025-05-22.

Conditions:
Epidermolysis bullosa simplex with nail dystrophy (EBS5D). Identifiers: MedGen C4225309, MONDO:0014661, OMIM 616487.
Epidermolysis bullosa simplex, Ogna type (EBS5A). Also called: Pidermolysis bullosa simplex 5A, Ogna type; EPIDERMOLYSIS BULLOSA SIMPLEX 5A, OGNA TYPE. Identifiers: Orphanet 79401, MedGen C0432317, MONDO:0007555, OMIM 131950.
Autosomal recessive limb-girdle muscular dystrophy type 2Q (LGMDR17). Also called: MUSCULAR DYSTROPHY, LIMB-GIRDLE, AUTOSOMAL RECESSIVE 17. Identifiers: Orphanet 254361, MedGen C3150989, MONDO:0013390, OMIM 613723.
Epidermolysis bullosa simplex 5B, with muscular dystrophy (EBS5B). Also called: EPIDERMOLYSIS BULLOSA SIMPLEX AND LIMB-GIRDLE MUSCULAR DYSTROPHY; Epidermolysis bullosa simplex with muscular dystrophy. Identifiers: Orphanet 257, MedGen C2931072, MONDO:0009181, OMIM 226670.
Epidermolysis bullosa simplex 5C, with pyloric atresia (EBS5C). Also called: PLEC-Related Epidermolysis Bullosa with Pyloric Atresia; Epidermolysis bullosa simplex with pyloric atresia; PLEC1-Related Epidermolysis Bullosa with Pyloric Atresia. Identifiers: Orphanet 158684, MedGen C2677349, MONDO:0012807, OMIM 612138.

Submissions (2):

Revvity Omics, Revvity
Classification: Uncertain significance. Last evaluated: 2025-05-22. Review status: criteria provided, single submitter. Criteria: ACMG Guidelines, 2015. Collection method: clinical testing. Allele origin: germline.

Labcorp Genetics (formerly Invitae), Labcorp
Classification: Uncertain significance for Autosomal recessive limb-girdle muscular dystrophy type 2Q; Epidermolysis bullosa simplex, Ogna type; Epidermolysis bullosa simplex with nail dystrophy; Epidermolysis bullosa simplex 5C, with pyloric atresia; Epidermolysis bullosa simplex 5B, with muscular dystrophy. Last evaluated: 2022-11-23. Review status: criteria provided, single submitter. Criteria: Invitae Variant Classification Sherloc (09022015). Collection method: clinical testing. Allele origin: germline.
Comment: This variant is not present in population databases (gnomAD no frequency). This sequence change replaces serine, which is neutral and polar, with arginine, which is basic and polar, at codon 1365 of the PLEC protein (p.Ser1365Arg). This variant has not been reported in the literature in individuals affected with PLEC-related conditions. Advanced modeling of protein sequence and biophysical properties (such as structural, functional, and spatial information, amino acid conservation, physicochemical variation, residue mobility, and thermodynamic stability) performed at Invitae indicates that this missense variant is not expected to disrupt PLEC protein function. In summary, the available evidence is currently insufficient to determine the role of this variant in disease. Therefore, it has been classified as a Variant of Uncertain Significance.